The following is an entry in ClinVar:

NM_006904.7(PRKDC):c.9242A>T (p.His3081Leu)

Gene: PRKDC (protein kinase, DNA-activated, catalytic subunit; minus strand). Cytogenetic location: 8q11.21.
Variant type: single nucleotide variant.
Coding change: c.9242A>T on transcript NM_006904.7 (MANE Select); coding-DNA position 9242, A replaced by T.
Protein change: p.His3081Leu; replaces histidine 3081 with leucine.
Molecular consequence: missense variant.
Genome position (GRCh38, 1-based): chr8:47,820,813, T>A on the plus strand (A>T on the coding strand, the complement: PRKDC is on the minus strand). VCF-style: chr8-47820813-T-A. GRCh37 (hg19) VCF-style: chr8-48733374-T-A.
Other names: c.9242A>T, p.His3081Leu (NM_001081640.2); short protein forms H3081L.
Identifiers: ClinVar variation 1485693 (VCV001485693.6), dbSNP rs2087575281, ClinGen allele CA371139549.

ClinVar aggregate classification (germline): Uncertain significance (1 of 4 stars; one submission).

Conditions:
Severe combined immunodeficiency due to DNA-PKcs deficiency. Also called: IMMUNODEFICIENCY 26 WITH NEUROLOGIC ABNORMALITIES; Immunodeficiency 26 with or without neurologic abnormalities. Identifiers: Orphanet 317425, MedGen C4014833, MONDO:0014423, OMIM 615966.

Submission:

Labcorp Genetics (formerly Invitae), Labcorp
Classification: Uncertain significance for Severe combined immunodeficiency due to DNA-PKcs deficiency. Last evaluated: 2022-07-11. Review status: criteria provided, single submitter. Criteria: Invitae Variant Classification Sherloc (09022015). Collection method: clinical testing. Allele origin: germline.
Comment: This sequence change replaces histidine, which is basic and polar, with leucine, which is neutral and non-polar, at codon 3081 of the PRKDC protein (p.His3081Leu). This variant is not present in population databases (gnomAD no frequency). In summary, the available evidence is currently insufficient to determine the role of this variant in disease. Therefore, it has been classified as a Variant of Uncertain Significance. Experimental studies and prediction algorithms are not available or were not evaluated, and the functional significance of this variant is currently unknown. ClinVar contains an entry for this variant (Variation ID: 1485693). This variant has not been reported in the literature in individuals affected with PRKDC-related conditions.